The following is an entry in ClinVar:

ClinVar aggregate classification (germline): Uncertain significance (1 of 4 stars; one submission).

Conditions:
Congenital brain dysgenesis due to glutamine synthetase deficiency (GLND). Also called: GLUTAMINE SYNTHASE DEFICIENCY, CONGENITAL SYSTEMIC. Identifiers: Orphanet 71278, MedGen C1864910, MONDO:0012393, OMIM 610015.

Allele frequency attached by ClinVar (database versions not stated): gnomAD exomes below 0.00001 and 0.00001; ExAC 0.00002; gnomAD 0.00005; TOPMed 0.00006.
gnomAD v4.1: 10 of 1,614,038 alleles (0.00062%); highest among the groups gnomAD compares: African/African-American, 0.013%; no homozygotes.

Submission:

Labcorp Genetics (formerly Invitae), Labcorp
Classification: Uncertain significance for Congenital brain dysgenesis due to glutamine synthetase deficiency. Last evaluated: 2024-02-24. Review status: criteria provided, single submitter. Criteria: Invitae Variant Classification Sherloc (09022015). Collection method: clinical testing. Allele origin: germline.
Comment: This sequence change replaces glutamine, which is neutral and polar, with arginine, which is basic and polar, at codon 282 of the GLUL protein (p.Gln282Arg). This variant is present in population databases (rs769473505, gnomAD 0.02%). This variant has not been reported in the literature in individuals affected with GLUL-related conditions. ClinVar contains an entry for this variant (Variation ID: 1521992). Advanced modeling of protein sequence and biophysical properties (such as structural, functional, and spatial information, amino acid conservation, physicochemical variation, residue mobility, and thermodynamic stability) performed at Invitae indicates that this missense variant is not expected to disrupt GLUL protein function with a negative predictive value of 80%. In summary, the available evidence is currently insufficient to determine the role of this variant in disease. Therefore, it has been classified as a Variant of Uncertain Significance.

NM_001033044.4(GLUL):c.845A>G (p.Gln282Arg)

Gene: GLUL (glutamate-ammonia ligase; minus strand). Cytogenetic location: 1q25.3.
Variant type: single nucleotide variant.
Coding change: c.845A>G on transcript NM_001033044.4 (MANE Select); coding-DNA position 845, A replaced by G.
Protein change: p.Gln282Arg; replaces glutamine 282 with arginine.
Molecular consequence: missense variant.
Genome position (GRCh38, 1-based): chr1:182,384,682, T>C on the plus strand (A>G on the coding strand, the complement: GLUL is on the minus strand). VCF-style: chr1-182384682-T-C. GRCh37 (hg19) VCF-style: chr1-182353817-T-C.
Other names: c.845A>G, p.Gln282Arg (NM_001033056.4, NM_002065.7); short protein forms Q282R.
Identifiers: ClinVar variation 1521992 (VCV001521992.8), dbSNP rs769473505, ClinGen allele CA1277014.